The following is an entry in ClinVar:

ClinVar aggregate classification (germline): Uncertain significance (1 of 4 stars; one submission).

Submission:

Labcorp Genetics (formerly Invitae), Labcorp
Classification: Uncertain significance. Last evaluated: 2024-03-11. Review status: criteria provided, single submitter. Criteria: Invitae Variant Classification Sherloc (09022015). Collection method: clinical testing. Allele origin: germline.
Comment: This sequence change replaces alanine, which is neutral and non-polar, with threonine, which is neutral and polar, at codon 512 of the ATP6V1A protein (p.Ala512Thr). This variant is not present in population databases (gnomAD no frequency). This variant has not been reported in the literature in individuals affected with ATP6V1A-related conditions. Advanced modeling of protein sequence and biophysical properties (such as structural, functional, and spatial information, amino acid conservation, physicochemical variation, residue mobility, and thermodynamic stability) performed at Invitae indicates that this missense variant is not expected to disrupt ATP6V1A protein function with a negative predictive value of 80%. In summary, the available evidence is currently insufficient to determine the role of this variant in disease. Therefore, it has been classified as a Variant of Uncertain Significance.

NM_001690.4(ATP6V1A):c.1534G>A (p.Ala512Thr)

Gene: ATP6V1A (ATPase H+ transporting V1 subunit A; plus strand). Cytogenetic location: 3q13.31.
Variant type: single nucleotide variant.
Coding change: c.1534G>A on transcript NM_001690.4 (MANE Select); coding-DNA position 1534, G replaced by A.
Protein change: p.Ala512Thr; replaces alanine 512 with threonine.
Molecular consequence: missense variant.
Genome position (GRCh38, 1-based): chr3:113,803,622, G>A. VCF-style: chr3-113803622-G-A. GRCh37 (hg19) VCF-style: chr3-113522469-G-A.
Other names: short protein forms A512T.
Identifiers: ClinVar variation 3709245 (VCV003709245.2).